The following is an entry in ClinVar:

NM_001035.3(RYR2):c.12301C>T (p.Leu4101Phe)

Gene: RYR2 (ryanodine receptor 2; plus strand). Cytogenetic location: 1q43.
Variant type: single nucleotide variant.
Coding change: c.12301C>T on transcript NM_001035.3 (MANE Select); coding-DNA position 12301, C replaced by T.
Protein change: p.Leu4101Phe; replaces leucine 4101 with phenylalanine.
Molecular consequence: missense variant.
Genome position (GRCh38, 1-based): chr1:237,784,013, C>T. VCF-style: chr1-237784013-C-T. GRCh37 (hg19) VCF-style: chr1-237947313-C-T.
Other names: p.L4101F:CTT>TTT; c.12301C>T, p.Leu4101Phe (LRG_402t1); short protein forms L4101F.
Identifiers: ClinVar variation 201329 (VCV000201329.4), dbSNP rs794728785, ClinGen allele CA007454.

ClinVar aggregate classification (germline): Likely pathogenic. Review status: criteria provided, multiple submitters, no conflicts (2 of 4 stars). 3 submissions from 3 submitters: Likely pathogenic (3). Last evaluated 2024-07-15.

Conditions:
Cardiovascular phenotype. Identifiers: MedGen CN230736.
Catecholaminergic polymorphic ventricular tachycardia 1. Also called: RYR2-Related Catecholaminergic Polymorphic Ventricular Tachycardia; VENTRICULAR TACHYCARDIA, CATECHOLAMINERGIC POLYMORPHIC, 1, WITH OR WITHOUT ATRIAL DYSFUNCTION AND/OR DILATED CARDIOMYOPATHY; VENTRICULAR TACHYCARDIA, STRESS-INDUCED POLYMORPHIC 1. Identifiers: Orphanet 3286, MedGen C1631597, MONDO:0011484, OMIM 604772.

Submissions (3):

Ambry Genetics
Classification: Likely pathogenic for Cardiovascular phenotype. Last evaluated: 2024-07-15. Review status: criteria provided, single submitter. Criteria: Ambry Variant Classification Scheme 2023. Collection method: clinical testing. Allele origin: germline.
Comment: The p.L4101F variant (also known as c.12301C>T), located in coding exon 90 of the RYR2 gene, results from a C to T substitution at nucleotide position 12301. The leucine at codon 4101 is replaced by phenylalanine, an amino acid with highly similar properties. This alteration has been reported in individuals with catecholaminergic polymorphic ventricular tachycardia (CPVT) and was found to be de novo in two individuals (Kawata H et al. Circ J, 2016 Aug;80:1907-15; Kapplinger JD et al. Circ Genom Precis Med, 2018 Feb;11:e001424; Shimamoto K et al. Heart, 2022 May;108:840-847). This variant is considered to be rare based on population cohorts in the Genome Aggregation Database (gnomAD). This amino acid position is highly conserved in available vertebrate species. In addition, this alteration is predicted to be deleterious by in silico analysis. Based on the majority of available evidence to date, this variant is likely to be pathogenic.

Baylor Genetics
Classification: Likely pathogenic for Catecholaminergic polymorphic ventricular tachycardia 1. Last evaluated: 2020-06-09. Review status: criteria provided, single submitter. Criteria: ACMG Guidelines, 2015. Collection method: clinical testing. Allele origin: de novo. Affected: yes.
Comment: This variant was determined to be likely pathogenic according to ACMG Guidelines, 2015 [PMID:25741868].

GeneDx
Classification: Likely pathogenic. Last evaluated: 2019-12-19. Review status: criteria provided, single submitter. Criteria: GeneDx Variant Classification Process June 2021. Collection method: clinical testing. Allele origin: germline. Affected: yes.
Comment: Reported in at least one Japanese patient with CPVT (Kawata et al., 2016; Miyata et al., 2018); Not observed in large population cohorts (Lek et al., 2016); In silico analysis, which includes protein predictors and evolutionary conservation, supports a deleterious effect; Located in one of the three hot-spot regions of the RYR2 gene, where the majority of pathogenic missense variants occur (Medeiros-Domingo et al., 2009); This variant is associated with the following publications: (PMID: 27452199, 29434162)

Literature cited by the submitters: PubMed 27452199 (cited by Ambry Genetics); PubMed 29453246 (cited by Ambry Genetics); PubMed 35135837 (cited by Ambry Genetics).